The following is an entry in ClinVar:

NM_015910.7(WDPCP):c.483A>C (p.Ser161=)

Gene: WDPCP (WD repeat containing planar cell polarity effector; minus strand). Cytogenetic location: 2p15.
Variant type: single nucleotide variant.
Coding change: c.483A>C on transcript NM_015910.7 (MANE Select); coding-DNA position 483, A replaced by C.
Protein change: p.Ser161=; no amino-acid change (serine 161 retained).
Molecular consequence: synonymous variant. On other transcripts: non-coding transcript variant (2).
Genome position (GRCh38, 1-based): chr2:63,439,773, T>G on the plus strand (A>C on the coding strand, the complement: WDPCP is on the minus strand). VCF-style: chr2-63439773-T-G. GRCh37 (hg19) VCF-style: chr2-63666907-T-G.
Other names: c.411A>C, p.Ser137= (NM_001354044.2); c.483A>C, p.Ser161= (NM_001354045.2).
Identifiers: ClinVar variation 4988179 (VCV004988179.1).

ClinVar aggregate classification (germline): Likely benign (1 of 4 stars; one submission).

Conditions:
WDPCP-related disorder. Also called: WDPCP-related condition.

Submission:

PreventionGenetics, part of Exact Sciences
Classification: Likely benign for WDPCP-related condition. Last evaluated: 2025-02-05. Review status: criteria provided, single submitter. Criteria: ACMG Guidelines, 2015. Collection method: clinical testing. Allele origin: germline.
Comment: This variant is classified as likely benign based on ACMG/AMP sequence variant interpretation guidelines (Richards et al. 2015 PMID: 25741868, with internal and published modifications).